The following is an entry in ClinVar:

ClinVar aggregate classification (germline): Uncertain significance (1 of 4 stars; one submission).

Conditions:
KIF26A-related condition.

Submission:

PreventionGenetics, part of Exact Sciences
Classification: Uncertain significance for KIF26A-related condition. Last evaluated: 2026-01-20. Review status: criteria provided, single submitter. Criteria: ACMG Guidelines, 2015. Collection method: clinical testing. Allele origin: germline.
Comment: The KIF26A c.4595_4596delinsAA variant is predicted to result in an in-frame deletion and insertion. To our knowledge, this variant has not been reported in the literature or in a large population database (gnomAD), indicating this variant is rare. At this time, the clinical significance of this variant is uncertain due to the absence of conclusive functional and genetic evidence.

NM_015656.2(KIF26A):c.4595_4596delinsAA (p.Ala1532Glu)

Gene: KIF26A (kinesin family member 26A; plus strand). Cytogenetic location: 14q32.33.
Variant type: Indel.
Coding change: c.4595_4596delinsAA on transcript NM_015656.2 (MANE Select); coding-DNA positions 4595 to 4596, CC replaced by AA.
Protein change: p.Ala1532Glu; replaces alanine 1532 with glutamic acid.
Molecular consequence: missense variant.
Genome position (GRCh38, 1-based): chr14:104,177,383-104,177,384, CC replaced by AA. VCF-style: chr14-104177383-CC-AA. GRCh37 (hg19) VCF-style: chr14-104643720-CC-AA.
Other names: short protein forms A1532E.
Identifiers: ClinVar variation 4990840 (VCV004990840.1).
Genomic context (GRCh38, chr14:104,177,383, plus strand): 5'-GGCCTTCGGTGAAGCTGTCTACGGCCTCTGTGACGGGCAGGAGCCCTGGCGGCCCTGTGG[CC>AA]GGTCCCAGAGCAGCCCCACGGGCCGGGCCCAGTGTCGGGGCGAAGGCTGGCCGGGGTACC-3'
Protein context (NP_056471.1, residues 1522-1542): VTGRSPGGPV[Ala1532Glu]GPRAAPRAGP